The following is an entry in ClinVar:

ClinVar aggregate classification (germline): Uncertain significance. Review status: criteria provided, multiple submitters, no conflicts (2 of 4 stars). 3 submissions from 3 submitters: Uncertain significance (3). Last evaluated 2025-03-03.

Conditions:
Cardiovascular phenotype. Identifiers: MedGen CN230736.
Long QT syndrome (LQTS). Identifiers: MedGen C0023976, MeSH D008133, MONDO:0002442. Disease mechanism: loss of function. Inheritance: Various modes of inheritance.

Allele frequency attached by ClinVar (database versions not stated): ExAC 0.00001; gnomAD 0.00001 and 0.00002; gnomAD exomes 0.00001; TOPMed 0.00003.
gnomAD v4.1: 31 of 1,613,624 alleles (0.0019%); highest among the groups gnomAD compares: East Asian, 0.0045%; no homozygotes.

Submissions (3):

Ambry Genetics
Classification: Uncertain significance for Cardiovascular phenotype. Last evaluated: 2025-03-03. Review status: criteria provided, single submitter. Criteria: Ambry Variant Classification Scheme 2023. Collection method: clinical testing. Allele origin: germline.
Comment: The p.R946H variant (also known as c.2837G>A), located in coding exon 26 of the ANK2 gene, results from a G to A substitution at nucleotide position 2837. The arginine at codon 946 is replaced by histidine, an amino acid with highly similar properties. This amino acid position is well conserved in available vertebrate species. In addition, the in silico prediction for this alteration is inconclusive. According to data from gnomAD, the frequency for this variant is above the maximum credible frequency for a cardiac disease-causing variant in this gene based on internally established thresholds (Karczewski et al.Nature. 2020 May;581(7809):434-443; Whiffin et al.Genet Med. 2017 10;19:1151-1158). Based on the supporting evidence, the association of this alteration withANK2-related neurodevelopmental disorderis unknown; however, the association withANK2-related arrhythmiais unlikely.

Labcorp Genetics (formerly Invitae), Labcorp
Classification: Uncertain significance for Long QT syndrome. Last evaluated: 2024-08-18. Review status: criteria provided, single submitter. Criteria: Invitae Variant Classification Sherloc (09022015). Collection method: clinical testing. Allele origin: germline.
Comment: This sequence change replaces arginine, which is basic and polar, with histidine, which is basic and polar, at codon 946 of the ANK2 protein (p.Arg946His). This variant is present in population databases (rs768671380, gnomAD 0.01%). This variant has not been reported in the literature in individuals affected with ANK2-related conditions. ClinVar contains an entry for this variant (Variation ID: 190526). An algorithm developed to predict the effect of missense changes on protein structure and function (PolyPhen-2) suggests that this variant is likely to be tolerated. In summary, the available evidence is currently insufficient to determine the role of this variant in disease. Therefore, it has been classified as a Variant of Uncertain Significance.

GeneDx
Classification: Uncertain significance. Last evaluated: 2023-07-06. Review status: criteria provided, single submitter. Criteria: GeneDx Variant Classification Process June 2021. Collection method: clinical testing. Allele origin: germline. Affected: yes.
Comment: Has not been previously published as pathogenic or benign to our knowledge; Not observed at significant frequency in large population cohorts (gnomAD); In silico analysis supports that this missense variant does not alter protein structure/function

NM_001148.6(ANK2):c.2837G>A (p.Arg946His)

Gene: ANK2 (ankyrin 2; plus strand). Cytogenetic location: 4q26.
Variant type: single nucleotide variant.
Coding change: c.2837G>A on transcript NM_001148.6 (MANE Select); coding-DNA position 2837, G replaced by A.
Protein change: p.Arg946His; replaces arginine 946 with histidine.
Molecular consequence: missense variant.
Genome position (GRCh38, 1-based): chr4:113,318,557, G>A. VCF-style: chr4-113318557-G-A. GRCh37 (hg19) VCF-style: chr4-114239713-G-A.
Other names: p.R946H:CGC>CAC; c.2774G>A, p.Arg925His (NM_001127493.3, NM_001354243.2, NM_001354255.2 and 3 more transcripts); c.2849G>A, p.Arg950His (NM_001354225.2); c.2837G>A, p.Arg946His (NM_001354228.2, NM_001354232.2, NM_020977.5 and 1 more transcripts); c.2879G>A, p.Arg960His (NM_001354230.2, NM_001354231.2, NM_001354237.2 and 1 more transcripts); c.2834G>A, p.Arg945His (NM_001354235.2, NM_001354236.2, NM_001354246.2 and 1 more transcripts); c.2771G>A, p.Arg924His (NM_001354239.2, NM_001354244.2, NM_001354252.2 and 3 more transcripts); c.2882G>A, p.Arg961His (NM_001354240.2, NM_001354241.2, NM_001386144.1); and 18 more; short protein forms R925H, R946H, R924H, R950H, R913H, R917H, R932H, R961H.
Identifiers: ClinVar variation 190526 (VCV000190526.11), dbSNP rs768671380, ClinGen allele CA300712.